The following is an entry in ClinVar:

NM_000077.5(CDKN2A):c.1A>C (p.Met1Leu)

Genes: CDKN2A (cyclin dependent kinase inhibitor 2A; minus strand), LOC130001603 (ATAC-STARR-seq lymphoblastoid silent region 19811; plus strand). Cytogenetic location: 9p21.3.
Variant type: single nucleotide variant.
Coding change: c.1A>C on transcript NM_000077.5; coding-DNA position 1, A replaced by C.
Protein change: p.Met1Leu; changes the start codon (methionine 1).
Molecular consequence: missense variant (on NM_000077.6). On other transcripts: initiator codon variant (2), intron variant (2).
Genome position (GRCh38, 1-based): chr9:21,974,827, T>G on the plus strand (A>C on the coding strand, the complement: CDKN2A is on the minus strand). VCF-style: chr9-21974827-T-G. GRCh37 (hg19) VCF-style: chr9-21974826-T-G.
Other names: c.1A>C, p.Met1Leu (NM_000077.6, NM_001195132.2, NM_058197.5); c.-3-3619A>C (NM_001363763.2); c.194-3619A>C (NM_058195.4); short protein forms M1L.
Identifiers: ClinVar variation 3894396 (VCV003894396.1).
Genomic context (GRCh38, chr9:21,974,827, plus strand): 5'-CCGCGGCCGTGGCCAGCCAGTCAGCCGAAGGCTCCATGCTGCTCCCCGCCGCCGGCTCCA[T>G]GCTGCTCCCCGCCGCCCGCTGCCTGCTCTCCCCCTCTCCGCAGCCGCCGAGCGCACGCGG-3'
Protein context (NP_000068.1, residues 1-11): [Met1Leu]EPAAGSSMEP

ClinVar aggregate classification (germline): Uncertain significance (1 of 4 stars; one submission).

Conditions:
Hereditary cancer-predisposing syndrome. Also called: Neoplastic Syndromes, Hereditary; Tumor predisposition; Hereditary Cancer Syndrome; Hereditary neoplastic syndrome. Identifiers: Orphanet 140162, MedGen C0027672, MeSH D009386, MONDO:0015356.

Submission:

Color Diagnostics, LLC DBA Color Health
Classification: Uncertain significance for Hereditary cancer-predisposing syndrome. Last evaluated: 2023-09-18. Review status: criteria provided, single submitter. Criteria: ACMG Guidelines, 2015. Collection method: clinical testing. Allele origin: germline.
Comment: The CDKN2A locus encodes two different gene products, p16INK4a and p14ARF. This variant causes an A to C nucleotide substitution at the first coding nucleotide of intron 1 of the CDKN2A (p16INK4A) mRNA gene, altering the translation initiation codon. However, another in-frame methionine is located at codon 9, which may be able to rescue translation initiation. To our knowledge, functional studies have not been reported for this variant. This variant has not been reported in individuals affected with CDKN2A-related disorders in the literature. This variant has not been identified in the general population by the Genome Aggregation Database (gnomAD). The available evidence is insufficient to determine the role of this variant in disease conclusively. Therefore, this variant is classified as a Variant of Uncertain Significance.